The following is an entry in ClinVar:

ClinVar aggregate classification (germline): Uncertain significance (1 of 4 stars; one submission).

Conditions:
Leukocyte adhesion deficiency 3. Also called: INTEGRIN ACTIVATION DEFICIENCY DISEASE; LEUKOCYTE ADHESION DEFICIENCY 1 VARIANT; Leukocyte adhesion deficiency, type III. Identifiers: Orphanet 2968, Orphanet 99844, MedGen C2748536, MONDO:0013016, OMIM 612840.

Submission:

Labcorp Genetics (formerly Invitae), Labcorp
Classification: Uncertain significance for Leukocyte adhesion deficiency 3. Last evaluated: 2025-08-25. Review status: criteria provided, single submitter. Criteria: Invitae Variant Classification Sherloc (09022015). Collection method: clinical testing. Allele origin: germline.
Comment: This sequence change replaces glutamic acid, which is acidic and polar, with glycine, which is neutral and non-polar, at codon 608 of the FERMT3 protein (p.Glu608Gly). This variant is not present in population databases (gnomAD no frequency). This variant has not been reported in the literature in individuals affected with FERMT3-related conditions. Invitae Evidence Modeling of protein sequence and biophysical properties (such as structural, functional, and spatial information, amino acid conservation, physicochemical variation, residue mobility, and thermodynamic stability) has been performed for this missense variant. However, the output from this modeling did not meet the statistical confidence thresholds required to predict the impact of this variant on FERMT3 protein function. In summary, the available evidence is currently insufficient to determine the role of this variant in disease. Therefore, it has been classified as a Variant of Uncertain Significance.

NM_031471.6(FERMT3):c.1823A>G (p.Glu608Gly)

Gene: FERMT3 (FERM domain containing kindlin 3; plus strand). Cytogenetic location: 11q13.1.
Variant type: single nucleotide variant.
Coding change: c.1823A>G on transcript NM_031471.6 (MANE Select); coding-DNA position 1823, A replaced by G.
Protein change: p.Glu608Gly; replaces glutamic acid 608 with glycine.
Molecular consequence: missense variant.
Genome position (GRCh38, 1-based): chr11:64,223,323, A>G. VCF-style: chr11-64223323-A-G. GRCh37 (hg19) VCF-style: chr11-63990795-A-G.
Other names: c.1823A>G, p.Glu608Gly (NM_001382361.1, NM_001382448.1); c.1835A>G, p.Glu612Gly (NM_001382362.1, NM_178443.3); c.1283A>G, p.Glu428Gly (NM_001382363.1); c.1295A>G, p.Glu432Gly (NM_001382364.1); short protein forms E428G, E612G, E432G, E608G.
Identifiers: ClinVar variation 4773533 (VCV004773533.1).
Genomic context (GRCh38, chr11:64,223,323, plus strand): 5'-GGGCTGCTCCCTTATCCCACCCACCATTTGCCCCTCTGTCTGCCCTTCAGGTGGCCATCG[A>G]GTTTGATGAACACATCAATGTGGCCTTCAGCTGCGTGTCTGCCAGCTGCCGAATTGTACA-3'
Protein context (NP_113659.3, residues 598-618): VNWDIRQVAI[Glu608Gly]FDEHINVAFS